The following is an entry in ClinVar:

NM_000381.4(MID1):c.1804C>T (p.Arg602Trp)

Genes: MID1 (midline 1; minus strand), LOC126863207 (BRD4-independent group 4 enhancer GRCh37_chrX:10416979-10418178; plus strand). Cytogenetic location: Xp22.2.
Variant type: single nucleotide variant.
Coding change: c.1804C>T on transcript NM_000381.4 (MANE Select); coding-DNA position 1804, C replaced by T.
Protein change: p.Arg602Trp; replaces arginine 602 with tryptophan.
Molecular consequence: missense variant.
Genome position (GRCh38, 1-based): chrX:10,449,568, G>A on the plus strand (C>T on the coding strand, the complement: MID1 is on the minus strand). VCF-style: chrX-10449568-G-A. GRCh37 (hg19) VCF-style: chrX-10417608-G-A.
Other names: c.1804C>T, p.Arg602Trp (NM_001098624.2, NM_001193277.1, NM_001347733.2 and 1 more transcripts); c.1690C>T, p.Arg564Trp (NM_033289.2); short protein forms R602W, R564W.
Identifiers: ClinVar variation 1962845 (VCV001962845.2), dbSNP rs780389420, ClinGen allele CA10347406.

ClinVar aggregate classification (germline): Uncertain significance (1 of 4 stars; one submission).

Allele frequency attached by ClinVar (database versions not stated): ExAC 0.00001; gnomAD exomes 0.00001; TOPMed 0.00001.
gnomAD v4.1: 6 of 1,211,689 alleles (0.0005%); highest among the groups gnomAD compares: Admixed American, 0.0022%; no homozygotes.

Submission:

Labcorp Genetics (formerly Invitae), Labcorp
Classification: Uncertain significance. Last evaluated: 2022-08-25. Review status: criteria provided, single submitter. Criteria: Invitae Variant Classification Sherloc (09022015). Collection method: clinical testing. Allele origin: germline.
Comment: This sequence change replaces arginine, which is basic and polar, with tryptophan, which is neutral and slightly polar, at codon 602 of the MID1 protein (p.Arg602Trp). This variant is present in population databases (rs780389420, gnomAD 0.004%). This variant has not been reported in the literature in individuals affected with MID1-related conditions. Algorithms developed to predict the effect of missense changes on protein structure and function are either unavailable or do not agree on the potential impact of this missense change (SIFT: "Deleterious"; PolyPhen-2: "Probably Damaging"; Align-GVGD: "Class C0"). In summary, the available evidence is currently insufficient to determine the role of this variant in disease. Therefore, it has been classified as a Variant of Uncertain Significance.